The following is an entry in ClinVar:

NM_000214.3(JAG1):c.415T>G (p.Trp139Gly)

Gene: JAG1 (jagged canonical Notch ligand 1; minus strand). Cytogenetic location: 20p12.2.
Variant type: single nucleotide variant.
Coding change: c.415T>G on transcript NM_000214.3 (MANE Select); coding-DNA position 415, T replaced by G.
Protein change: p.Trp139Gly; replaces tryptophan 139 with glycine.
Molecular consequence: missense variant.
Genome position (GRCh38, 1-based): chr20:10,663,987, A>C on the plus strand (T>G on the coding strand, the complement: JAG1 is on the minus strand). VCF-style: chr20-10663987-A-C. GRCh37 (hg19) VCF-style: chr20-10644635-A-C.
Other names: short protein forms W139G.
Identifiers: ClinVar variation 2022924 (VCV002022924.6), dbSNP rs2514531153, ClinGen allele CA408242128.

ClinVar aggregate classification (germline): Pathogenic (1 of 4 stars; one submission).

Conditions:
Alagille syndrome due to a JAG1 point mutation. Also called: HEPATIC DUCTULAR HYPOPLASIA, SYNDROMATIC; JAG1-Related Alagille Syndrome; Alagille Syndrome 1. Identifiers: Orphanet 261619, Orphanet 52, MedGen C1956125, MONDO:0016862, OMIM 118450.

Submissions (2):

Labcorp Genetics (formerly Invitae), Labcorp
Classification: Pathogenic for Alagille syndrome due to a JAG1 point mutation. Last evaluated: 2022-08-30. Review status: criteria provided, single submitter. Criteria: Invitae Variant Classification Sherloc (09022015). Collection method: clinical testing. Allele origin: germline.
Comment: For these reasons, this variant has been classified as Pathogenic. Advanced modeling of protein sequence and biophysical properties (such as structural, functional, and spatial information, amino acid conservation, physicochemical variation, residue mobility, and thermodynamic stability) performed at Invitae indicates that this missense variant is expected to disrupt JAG1 protein function. This missense change has been observed in individual(s) with clinical features of Alagille syndrome (Invitae). In at least one individual the variant was observed to be de novo. This variant is not present in population databases (gnomAD no frequency). This sequence change replaces tryptophan, which is neutral and slightly polar, with glycine, which is neutral and non-polar, at codon 139 of the JAG1 protein (p.Trp139Gly).

Gilbert/Spinner Lab, Children's Hospital of Philadelphia
No classification provided (evidence only). Condition: Alagille syndrome. Review status: no classification provided. Collection method: research. Allele origin: not applicable. Functional consequence: functionally_abnormal. Not counted in ClinVar's aggregate classification.
ClinVar note: "not provided" was previously submitted as the classification for the variant. However, the classification appeared to be based only on an observation of functional data so it was converted to no classification on 2025-07-30.